The following is an entry in ClinVar:

NM_005732.4(RAD50):c.1794-1G>A

Gene: RAD50 (RAD50 double strand break repair protein; plus strand). Cytogenetic location: 5q31.1.
Variant type: single nucleotide variant.
Coding change: c.1794-1G>A on transcript NM_005732.4 (MANE Select); the canonical splice acceptor site of the intron before coding-DNA position 1794, G replaced by A.
Molecular consequence: splice acceptor variant.
Genome position (GRCh38, 1-based): chr5:132,594,868, G>A. VCF-style: chr5-132594868-G-A. GRCh37 (hg19) VCF-style: chr5-131930560-G-A.
Identifiers: ClinVar variation 480451 (VCV000480451.15), dbSNP rs587781742, ClinGen allele CA3405277.

ClinVar aggregate classification (germline): Pathogenic/Likely pathogenic. Review status: criteria provided, multiple submitters, no conflicts (2 of 4 stars). 4 submissions from 4 submitters: Pathogenic (1); Likely pathogenic (3). Last evaluated 2024-09-05.

Conditions:
Hereditary cancer-predisposing syndrome. Also called: Hereditary Cancer Syndrome; Neoplastic Syndromes, Hereditary; Tumor predisposition; Hereditary neoplastic syndrome. Identifiers: Orphanet 140162, MedGen C0027672, MeSH D009386, MONDO:0015356.
Nijmegen breakage syndrome-like disorder (NBSLD). Also called: MICROCEPHALY AND SPONTANEOUS CHROMOSOME INSTABILITY WITHOUT IMMUNODEFICIENCY; NBS-LIKE DISORDER; RAD50 DEFICIENCY. Identifiers: Orphanet 240760, MedGen C2751318, MONDO:0013118, OMIM 613078.

Allele frequency attached by ClinVar (database versions not stated): TOPMed below 0.00001; gnomAD 0.00001; ExAC 0.00002.
gnomAD v4.1: 14 of 1,598,832 alleles (0.00088%); highest among the groups gnomAD compares: South Asian, 0.0044%; no homozygotes.

Submissions (4):

Labcorp Genetics (formerly Invitae), Labcorp
Classification: Pathogenic for Hereditary cancer-predisposing syndrome. Last evaluated: 2024-09-05. Review status: criteria provided, single submitter. Criteria: Invitae Variant Classification Sherloc (09022015). Collection method: clinical testing. Allele origin: germline.
Comment: This sequence change affects an acceptor splice site in intron 11 of the RAD50 gene. RNA analysis indicates that disruption of this splice site induces altered splicing and may result in an absent or altered protein product. This variant is present in population databases (rs587781742, gnomAD 0.003%). This variant has not been reported in the literature in individuals affected with RAD50-related conditions. ClinVar contains an entry for this variant (Variation ID: 480451). Studies have shown that disruption of this splice site results in activation of a cryptic splice site, and produces a non-functional protein and/or introduces a premature termination codon (internal data). For these reasons, this variant has been classified as Pathogenic.

Baylor Genetics
Classification: Likely pathogenic for Nijmegen breakage syndrome-like disorder. Last evaluated: 2022-04-07. Review status: criteria provided, single submitter. Criteria: ACMG Guidelines, 2015. Collection method: clinical testing. Allele origin: unknown.

Sema4
Classification: Likely pathogenic for Nijmegen breakage syndrome-like disorder. Last evaluated: 2021-05-18. Review status: criteria provided, single submitter. Criteria: Sema4 Curation Guidelines. Collection method: curation. Allele origin: germline.
Comment: The RAD50 c.1794-1G>A variant has not been reported in the literature to our knowledge. This variant is predicted to abolish the canonical splice site leading to an abnormal or absent protein. This variant was observed in 1/30368 chromosomes in the South Asian population according to the Genome Aggregation Database (PMID: 32461654). This variant has been reported in ClinVar (Variation ID: 480451). Based on the current evidence available, this variant is interpreted as likely pathogenic.

Ambry Genetics
Classification: Likely pathogenic for Hereditary cancer-predisposing syndrome. Last evaluated: 2020-05-26. Review status: criteria provided, single submitter. Criteria: Ambry Variant Classification Scheme 2023. Collection method: clinical testing. Allele origin: germline.
Comment: The c.1794-1G>A intronic variant results from a G to A substitution one nucleotide upstream from coding exon 12 of the RAD50 gene. This nucleotide position is highly conserved in available vertebrate species. Using the BDGP and ESEfinder splice site prediction tools, this alteration is predicted to abolish the native splice acceptor site; however, direct experimental evidence is unavailable. Alterations that disrupt the canonical splice site are expected to cause aberrant splicing, resulting in an abnormal protein or a transcript that is subject to nonsense-mediated mRNA decay. As such, this alteration is classified as likely pathogenic.